The following is an entry in ClinVar:

NM_006059.4(LAMC3):c.4198G>A (p.Glu1400Lys)

Gene: LAMC3 (laminin subunit gamma 3; plus strand). Cytogenetic location: 9q34.12.
Variant type: single nucleotide variant.
Coding change: c.4198G>A on transcript NM_006059.4 (MANE Select); coding-DNA position 4198, G replaced by A.
Protein change: p.Glu1400Lys; replaces glutamic acid 1400 with lysine.
Molecular consequence: missense variant.
Genome position (GRCh38, 1-based): chr9:131,085,691, G>A. VCF-style: chr9-131085691-G-A. GRCh37 (hg19) VCF-style: chr9-133961078-G-A.
Other names: short protein forms E1400K.
Identifiers: ClinVar variation 1032402 (VCV001032402.1), dbSNP rs1830319465, ClinGen allele CA375264747.

ClinVar aggregate classification (germline): Uncertain significance (1 of 4 stars; one submission).

Conditions:
Occipital pachygyria and polymicrogyria. Identifiers: Orphanet 280640, MedGen C3279875, MONDO:0013583, OMIM 614115.

Allele frequency attached by ClinVar (database versions not stated): gnomAD exomes below 0.00001.
gnomAD v4.1: 2 of 1,614,220 alleles (0.00012%); highest among the groups gnomAD compares: South Asian, 0.0011%; no homozygotes.

Submission:

Baylor Genetics
Classification: Uncertain significance for Occipital pachygyria and polymicrogyria. Last evaluated: 2018-10-12. Review status: criteria provided, single submitter. Criteria: ACMG Guidelines, 2015. Collection method: clinical testing. Allele origin: paternal. Affected: yes.
Comment: This variant was determined to be of uncertain significance according to ACMG Guidelines, 2015 [PMID:25741868].